The following is an entry in ClinVar:

NM_152564.5(VPS13B):c.6401C>G (p.Ser2134Cys)

Gene: VPS13B (vacuolar protein sorting 13 homolog B; plus strand). Cytogenetic location: 8q22.2.
Variant type: single nucleotide variant.
Coding change: c.6401C>G on transcript NM_152564.5 (MANE Select); coding-DNA position 6401, C replaced by G.
Protein change: p.Ser2134Cys; replaces serine 2134 with cysteine.
Molecular consequence: missense variant.
Genome position (GRCh38, 1-based): chr8:99,699,879, C>G. VCF-style: chr8-99699879-C-G. GRCh37 (hg19) VCF-style: chr8-100712107-C-G.
Other names: c.6401C>G (NM_152564.4); c.6476C>G, p.Ser2159Cys (NM_017890.5); short protein forms S2134C, S2159C.
Identifiers: ClinVar variation 871627 (VCV000871627.47), dbSNP rs367838871, ClinGen allele CA4823983.
Genomic context (GRCh38, chr8:99,699,879, plus strand): 5'-CTCAGATTGTGATCTCCATGGAAACTGTACCCCATACCAGCAAACCATGCCTGTTAGCAT[C>G]TCTCTCAAACCTCAATGGAAGCCTTAGTGTCAAGGCAACACAAAAAGTACCTGGTAAGTC-3'
Protein context (NP_689777.3, residues 2124-2144): PHTSKPCLLA[Ser2134Cys]LSNLNGSLSV

ClinVar aggregate classification (germline): Uncertain significance. Review status: criteria provided, multiple submitters, no conflicts (2 of 4 stars). 4 submissions from 4 submitters: Uncertain significance (2). 2 of the submissions do not count toward it. Last evaluated 2025-04-02.

Conditions:
VPS13B-related disorder. Also called: VPS13B-related condition.
Cohen syndrome (COH1). Also called: PEPPER SYNDROME; Cutis verticis gyrata, retinitis pigmentosa, and sensorineural deafness. Identifiers: Orphanet 193, MedGen C0265223, MONDO:0008999, OMIM 216550.

Allele frequency attached by ClinVar (database versions not stated): ExAC 0.00001; gnomAD 0.00001; gnomAD exomes 0.00001; TOPMed 0.00002; ESP Exome Variant Server 0.00008.
gnomAD v4.1: 10 of 1,613,740 alleles (0.00062%); highest among the groups gnomAD compares: Non-Finnish European, 0.00076%; no homozygotes.

Submissions (4):

Labcorp Genetics (formerly Invitae), Labcorp
Classification: Uncertain significance for Cohen syndrome. Last evaluated: 2025-04-02. Review status: criteria provided, single submitter. Criteria: Invitae Variant Classification Sherloc (09022015). Collection method: clinical testing. Allele origin: germline.
Comment: This sequence change replaces serine, which is neutral and polar, with cysteine, which is neutral and slightly polar, at codon 2159 of the VPS13B protein (p.Ser2159Cys). This variant is present in population databases (rs367838871, gnomAD 0.002%). This variant has not been reported in the literature in individuals affected with VPS13B-related conditions. ClinVar contains an entry for this variant (Variation ID: 871627). Invitae Evidence Modeling of protein sequence and biophysical properties (such as structural, functional, and spatial information, amino acid conservation, physicochemical variation, residue mobility, and thermodynamic stability) indicates that this missense variant is expected to disrupt VPS13B protein function with a positive predictive value of 80%. In summary, the available evidence is currently insufficient to determine the role of this variant in disease. Therefore, it has been classified as a Variant of Uncertain Significance.

CeGaT Center for Human Genetics Tuebingen
Classification: Uncertain significance. Last evaluated: 2019-08-01. Review status: criteria provided, single submitter. Criteria: CeGaT Center For Human Genetics Tuebingen Variant Classification Criteria Version 2. Collection method: clinical testing. Allele origin: germline. Affected: yes. Observed: 2 variant alleles.

PreventionGenetics, part of Exact Sciences
Classification: Uncertain significance for VPS13B-related condition. Last evaluated: 2024-06-05. Review status: no assertion criteria provided. Collection method: clinical testing. Allele origin: germline. Not counted in ClinVar's aggregate classification.
Comment: The VPS13B c.6401C>G variant is predicted to result in the amino acid substitution p.Ser2134Cys. To our knowledge, this variant has not been reported in the literature. This variant is reported in 0.0016% of alleles in individuals of European (Non-Finnish) descent in gnomAD. At this time, the clinical significance of this variant is uncertain due to the absence of conclusive functional and genetic evidence.

Natera, Inc.
Classification: Uncertain significance for Cohen syndrome. Last evaluated: 2020-08-27. Review status: no assertion criteria provided. Collection method: clinical testing. Allele origin: germline. Not counted in ClinVar's aggregate classification.